The following is an entry in ClinVar:

NM_003859.3(DPM1):c.515C>G (p.Thr172Ser)

Genes: ADNP-AS1 (ADNP antisense RNA 1; plus strand), DPM1 (dolichyl-phosphate mannosyltransferase subunit 1, catalytic; minus strand). Cytogenetic location: 20q13.13.
Variant type: single nucleotide variant.
Coding change: c.515C>G on transcript NM_003859.3 (MANE Select); coding-DNA position 515, C replaced by G.
Protein change: p.Thr172Ser; replaces threonine 172 with serine.
Molecular consequence: missense variant. On other transcripts: non-coding transcript variant (1), intron variant (1).
Genome position (GRCh38, 1-based): chr20:50,940,913, G>C on the plus strand (C>G on the coding strand, the complement: DPM1 is on the minus strand). VCF-style: chr20-50940913-G-C. GRCh37 (hg19) VCF-style: chr20-49557450-G-C.
Other names: c.620C>G, p.Thr207Ser (NM_001317034.1); c.596C>G, p.Thr199Ser (NM_001317035.1); c.494+1118C>G (NM_001317036.1); short protein forms T207S, T199S, T172S.
Identifiers: ClinVar variation 839789 (VCV000839789.10), dbSNP rs1985671191, ClinGen allele CA408988578.

ClinVar aggregate classification (germline): Uncertain significance. Review status: criteria provided, multiple submitters, no conflicts (2 of 4 stars). 2 submissions from 2 submitters: Uncertain significance (2). Last evaluated 2022-07-05.

Conditions:
Congenital disorder of glycosylation type 1E (CDG1E). Also called: CONGENITAL DISORDER OF GLYCOSYLATION, TYPE Ie; CDG Ie. Identifiers: Orphanet 79322, MedGen C1837396, MONDO:0012123, OMIM 608799.

Submissions (2):

Labcorp Genetics (formerly Invitae), Labcorp
Classification: Uncertain significance for Congenital disorder of glycosylation type 1E. Last evaluated: 2022-07-05. Review status: criteria provided, single submitter. Criteria: Invitae Variant Classification Sherloc (09022015). Collection method: clinical testing. Allele origin: germline.
Comment: In summary, the available evidence is currently insufficient to determine the role of this variant in disease. Therefore, it has been classified as a Variant of Uncertain Significance. Algorithms developed to predict the effect of sequence changes on RNA splicing suggest that this variant may create or strengthen a splice site. Algorithms developed to predict the effect of missense changes on protein structure and function (SIFT, PolyPhen-2, Align-GVGD) all suggest that this variant is likely to be tolerated. ClinVar contains an entry for this variant (Variation ID: 839789). This variant has not been reported in the literature in individuals affected with DPM1-related conditions. This variant is not present in population databases (gnomAD no frequency). This sequence change replaces threonine, which is neutral and polar, with serine, which is neutral and polar, at codon 172 of the DPM1 protein (p.Thr172Ser).

Baylor Genetics
Classification: Uncertain significance for Congenital disorder of glycosylation type 1E. Last evaluated: 2020-06-09. Review status: criteria provided, single submitter. Criteria: ACMG Guidelines, 2015. Collection method: clinical testing. Allele origin: unknown. Affected: yes.
Comment: This variant was determined to be of uncertain significance according to ACMG Guidelines, 2015 [PMID:25741868].